The following is an entry in ClinVar:

NM_173602.3(DIP2B):c.-116_34del (p.Met1_Ala12del)

Genes: DIP2B (DIP2 acetate--CoA ligase B (putative); plus strand), FRA12A (fragile site, folic acid type, rare, fra(12)(q13.1); plus strand). Cytogenetic location: 12q13.12.
Variant type: Deletion.
Coding change: c.-116_34del on transcript NM_173602.3 (MANE Select); 116 bases upstream of the start codon through coding-DNA position 34, 150 bases deleted.
Protein change: p.Met1_Ala12del.
Molecular consequence: inframe deletion, initiator codon variant.
Genome position (GRCh38, 1-based): chr12:50,505,025-50,505,174, 150 bases deleted. GRCh37 (hg19): chr12:50,898,808-50,898,957.
Identifiers: ClinVar variation 2642993 (VCV002642993.24), dbSNP rs2539973926, ClinGen allele CA2695199086.

ClinVar aggregate classification (germline): Uncertain significance (1 of 4 stars; one submission).

Submission:

CeGaT Center for Human Genetics Tuebingen
Classification: Uncertain significance. Last evaluated: 2023-08-01. Review status: criteria provided, single submitter. Criteria: CeGaT Center For Human Genetics Tuebingen Variant Classification Criteria Version 2. Collection method: clinical testing. Allele origin: germline. Affected: yes. Observed: 1 variant allele.
Comment: DIP2B: PM2